The following is an entry in ClinVar:

NM_001165963.4(SCN1A):c.3409del (p.Asp1137fs)

Genes: SCN1A (sodium voltage-gated channel alpha subunit 1; minus strand), LOC102724058 (uncharacterized LOC102724058; plus strand). Cytogenetic location: 2q24.3.
Variant type: Deletion.
Coding change: c.3409del on transcript NM_001165963.4 (MANE Select); coding-DNA position 3409, one base deleted (G; older notation c.3409delG).
Protein change: p.Asp1137fs; shifts the reading frame from aspartic acid 1137.
Molecular consequence: frameshift variant. On other transcripts: non-coding transcript variant (2).
Genome position (GRCh38, 1-based): chr2:166,036,068, C deleted on the plus strand (G on the coding strand, the reverse complement: SCN1A is on the minus strand); the first of 2 consecutive C bases (chr2:166,036,068-166,036,069); deleting either gives the same sequence. VCF-style (leftmost placement, unchanged base first): chr2-166036067-TC-T. GRCh37 (hg19) VCF-style: chr2-166892577-TC-T.
Other names: c.3325del, p.Asp1109fs (NM_001165964.3, NM_001353957.2, NM_001353958.2); c.3409del, p.Asp1137fs (NM_001202435.3, NM_001353948.2); c.3376del, p.Asp1126fs (NM_001353949.2, NM_001353950.2, NM_001353951.2 and 2 more transcripts); c.3373del, p.Asp1125fs (NM_001353954.2, NM_001353955.2); c.3322del, p.Asp1108fs (NM_001353960.2); c.967del, p.Asp323fs (NM_001353961.2); short protein forms D1108fs, D1137fs, D1109fs, D1126fs, D1125fs, D323fs.
Identifiers: ClinVar variation 206909 (VCV000206909.1), dbSNP rs796053071, ClinGen allele CA317727.

ClinVar aggregate classification (germline): Pathogenic (1 of 4 stars; one submission).

Submission:

GeneDx
Classification: Pathogenic. Last evaluated: 2014-03-21. Review status: criteria provided, single submitter. Criteria: GeneDx Variant Classification (06012015). Collection method: clinical testing. Allele origin: germline. Affected: yes.
Comment: c.3409delG: p.Asp1137IlefsX9 (D1137IfsX9) in exon 16 of the SCN1A gene (NM_001165963.1). The normal sequence with the deleted base in braces is: ATCG{G}ATCT. The c.3409delG mutation in the SCN1A gene causes a frameshift starting with codon Asparagine 1137, changes this amino acid to an Isoleucine residue and creates a premature Stop codon at position 9 of the new reading frame, denoted p.Asp1137IlefsX9. This mutation is predicted to cause loss of normal protein function either through protein truncation or nonsense-mediated mRNA decay. Additionally, other frameshift mutations in exon 16 of the SCN1A gene have been reported in association with SCN1A-related disorders, supporting the functional importance of this region. Although this mutation has not been previously reported to our knowledge, its presence is consistent with a diagnosis of an SCN1a-related disorder. The variant is found in EPILEPSY panel(s).